The following is an entry in ClinVar:

ClinVar aggregate classification (germline): Uncertain significance (1 of 4 stars; one submission).

Submission:

Labcorp Genetics (formerly Invitae), Labcorp
Classification: Uncertain significance. Last evaluated: 2022-10-05. Review status: criteria provided, single submitter. Criteria: Invitae Variant Classification Sherloc (09022015). Collection method: clinical testing. Allele origin: germline.
Comment: In summary, the available evidence is currently insufficient to determine the role of this variant in disease. Therefore, it has been classified as a Variant of Uncertain Significance. Algorithms developed to predict the effect of sequence changes on RNA splicing suggest that this variant may create or strengthen a splice site. Algorithms developed to predict the effect of missense changes on protein structure and function output the following: SIFT: "Tolerated"; PolyPhen-2: "Benign"; Align-GVGD: "Class C0". The serine amino acid residue is found in multiple mammalian species, which suggests that this missense change does not adversely affect protein function. ClinVar contains an entry for this variant (Variation ID: 1061689). This variant has not been reported in the literature in individuals affected with VCAN-related conditions. This variant is not present in population databases (gnomAD no frequency). This sequence change replaces glycine, which is neutral and non-polar, with serine, which is neutral and polar, at codon 791 of the VCAN protein (p.Gly791Ser).

NM_004385.5(VCAN):c.2371G>A (p.Gly791Ser)

Gene: VCAN (versican; plus strand). Cytogenetic location: 5q14.3.
Variant type: single nucleotide variant.
Coding change: c.2371G>A on transcript NM_004385.5 (MANE Select); coding-DNA position 2371, G replaced by A.
Protein change: p.Gly791Ser; replaces glycine 791 with serine.
Molecular consequence: missense variant. On other transcripts: intron variant (2).
Genome position (GRCh38, 1-based): chr5:83,520,677, G>A. VCF-style: chr5-83520677-G-A. GRCh37 (hg19) VCF-style: chr5-82816496-G-A.
Other names: c.2371G>A, p.Gly791Ser (NM_001164098.2); c.1042+8281G>A (NM_001164097.2, NM_001126336.3); short protein forms G791S.
Identifiers: ClinVar variation 1061689 (VCV001061689.9), dbSNP rs2112409755, ClinGen allele CA360303791.